The following is an entry in ClinVar:

NM_147686.4(TRAF3IP2):c.1681C>T (p.Gln561Ter)

Genes: TRAF3IP2 (TRAF3 interacting protein 2; minus strand), TRAF3IP2-AS1 (TRAF3IP2 antisense RNA 1; plus strand). Cytogenetic location: 6q21.
Variant type: single nucleotide variant.
Coding change: c.1681C>T on transcript NM_147686.4 (MANE Select); coding-DNA position 1681, C replaced by T.
Protein change: p.Gln561Ter; replaces glutamine 561 with a stop codon.
Molecular consequence: nonsense.
Genome position (GRCh38, 1-based): chr6:111,559,422, G>A on the plus strand (C>T on the coding strand, the complement: TRAF3IP2 is on the minus strand). VCF-style: chr6-111559422-G-A. GRCh37 (hg19) VCF-style: chr6-111880625-G-A.
Other names: c.1678C>T, p.Gln560Ter (NM_001164281.3); c.313C>T, p.Gln105Ter (NM_001164283.3); c.1708C>T, p.Gln570Ter (NM_147200.3); short protein forms Q561*, Q105*, Q560*, Q570*.
Identifiers: ClinVar variation 582451 (VCV000582451.1), dbSNP rs1562415669, ClinGen allele CA365366577.

ClinVar aggregate classification (germline): Uncertain significance (1 of 4 stars; one submission).

Conditions:
Candidiasis, familial, 8 (CANDF8). Identifiers: Orphanet 1334, MedGen C3714992, MONDO:0014230, OMIM 615527.

Allele frequency attached by ClinVar (database versions not stated): gnomAD exomes 0.00001.
gnomAD v4.1: 6 of 1,613,842 alleles (0.00037%); highest among the groups gnomAD compares: Non-Finnish European, 0.00051%; no homozygotes.

Submission:

Labcorp Genetics (formerly Invitae), Labcorp
Classification: Uncertain significance for Candidiasis, familial, 8. Last evaluated: 2018-02-20. Review status: criteria provided, single submitter. Criteria: Invitae Variant Classification Sherloc (09022015). Collection method: clinical testing. Allele origin: germline.
Comment: This sequence change results in a premature translational stop signal in the TRAF3IP2 gene (p.Gln561*). While this is not anticipated to result in nonsense mediated decay, it is expected to delete the last 5 amino acids of the TRAF3IP2 protein. This variant is not present in population databases (ExAC no frequency). This variant has not been reported in the literature in individuals with TRAF3IP2-related disease. In summary, the available evidence is currently insufficient to determine the role of this variant in disease. Therefore, it has been classified as a Variant of Uncertain Significance.